The following is an entry in ClinVar:

ClinVar aggregate classification (germline): Uncertain significance (1 of 4 stars; one submission).

Conditions:
Early onset severe obesity. Identifiers: MedGen C4013980.

gnomAD v4.1: 2 of 1,611,104 alleles (0.00012%); no homozygotes.

Submission:

Cambridge Genomics Laboratory, East Genomic Laboratory Hub, NHS Genomic Medicine Service
Classification: Uncertain significance for Severe early-onset obesity. Last evaluated: 2025-04-04. Review status: criteria provided, single submitter. Criteria: ACGS Best Practice Guidelines for Variant Classification in Rare Disease 2020. Collection method: clinical testing. Allele origin: germline. Affected: yes.
Comment: PM2,BP4

NM_002303.6(LEPR):c.2233A>C (p.Ser745Arg)

Gene: LEPR (leptin receptor; plus strand). Cytogenetic location: 1p31.3.
Variant type: single nucleotide variant.
Coding change: c.2233A>C on transcript NM_002303.6 (MANE Select); coding-DNA position 2233, A replaced by C.
Protein change: p.Ser745Arg; replaces serine 745 with arginine.
Molecular consequence: missense variant.
Genome position (GRCh38, 1-based): chr1:65,617,984, A>C. VCF-style: chr1-65617984-A-C. GRCh37 (hg19) VCF-style: chr1-66083667-A-C.
Other names: c.2233A>C, p.Ser745Arg (NM_001003679.3, NM_001003680.3, NM_001198687.2 and 2 more transcripts); short protein forms S745R.
Identifiers: ClinVar variation 4683164 (VCV004683164.1).
Genomic context (GRCh38, chr1:65,617,984, plus strand): 5'-ATTTTTAATTTAAAAATTAATTTCCTTCTTTTCCCCTCAGTAAATATCGTGCAGTCACTC[A>C]GTGCTTATCCTTTAAACAGCAGTTGTGTGATTGTTTCCTGGATACTATCACCCAGTGATT-3'
Protein context (NP_002294.2, residues 735-755): MSKVNIVQSL[Ser745Arg]AYPLNSSCVI